The following is an entry in ClinVar:

ClinVar aggregate classification (germline): Likely pathogenic (1 of 4 stars; one submission).

Submission:

GeneDx
Classification: Likely pathogenic. Last evaluated: 2020-07-10. Review status: criteria provided, single submitter. Criteria: GeneDx Variant Classification Process June 2021. Collection method: clinical testing. Allele origin: germline. Affected: yes.
Comment: Not observed in large population cohorts (Lek et al., 2016); In silico analysis supports that this missense variant does not alter protein structure/function; Has not been previously published as pathogenic or benign to our knowledge

NM_001367873.1(SOX6):c.934A>G (p.Met312Val)

Gene: SOX6 (SRY-box transcription factor 6; minus strand). Cytogenetic location: 11p15.2.
Variant type: single nucleotide variant.
Coding change: c.934A>G on transcript NM_001367873.1 (MANE Select); coding-DNA position 934, A replaced by G.
Protein change: p.Met312Val; replaces methionine 312 with valine.
Molecular consequence: missense variant.
Genome position (GRCh38, 1-based): chr11:16,097,653, T>C on the plus strand (A>G on the coding strand, the complement: SOX6 is on the minus strand). VCF-style: chr11-16097653-T-C. GRCh37 (hg19) VCF-style: chr11-16119199-T-C.
Other names: c.934A>G, p.Met312Val (NM_001145811.2, NM_017508.3, NM_033326.3 and 2 more transcripts); short protein forms M312V.
Identifiers: ClinVar variation 1182282 (VCV001182282.2), dbSNP rs889177031, ClinGen allele CA218341600.
Genomic context (GRCh38, chr11:16,097,653, plus strand): 5'-TTCTTCTGGCACTTACCTGGAGCTGTAAAGGGCTGAGTCCAGAAGCAGCAGCAGCTGCCA[T>C]TGTTGATGGAATGAACTGTACGGGGTAGTTATCACCTGTCGGAAAGAACAATGCATACAG-3'
Protein context (NP_001354802.1, residues 302-322): NYPVQFIPST[Met312Val]AAAAASGLSP